The following is an entry in ClinVar:

NM_018903.4(PCDHA12):c.1813G>T (p.Ala605Ser)

Genes: PCDHA1 (protocadherin alpha 1; plus strand), PCDHA10 (protocadherin alpha 10; plus strand), PCDHA11 (protocadherin alpha 11; plus strand), PCDHA12 (protocadherin alpha 12; plus strand), PCDHA2 (protocadherin alpha 2; plus strand) and 8 more. Cytogenetic location: 5q31.3.
Variant type: single nucleotide variant.
Coding change: c.1813G>T on transcript NM_018903.4 (MANE Select); coding-DNA position 1813, G replaced by T.
Protein change: p.Ala605Ser; replaces alanine 605 with serine.
Molecular consequence: missense variant. On other transcripts: intron variant (14).
Genome position (GRCh38, 1-based): chr5:140,877,285, G>T. VCF-style: chr5-140877285-G-T. GRCh37 (hg19) VCF-style: chr5-140256870-G-T.
Other names: c.1813G>T, p.Ala605Ser (NM_031864.3); c.2394+88601G>T (NM_018900.4); c.1602+89393G>T (NM_031411.3); c.2388+79933G>T (NM_018905.3); c.2394+73694G>T (NM_018906.3); c.2385+67713G>T (NM_018907.4); c.2352+53158G>T (NM_018908.3); c.2394+46800G>T (NM_018909.4); and 7 more; short protein forms A605S.
Identifiers: ClinVar variation 2655795 (VCV002655795.24), dbSNP rs76220347, ClinGen allele CA3452790.

ClinVar aggregate classification (germline): Likely benign (1 of 4 stars; one submission).

Allele frequency attached by ClinVar (database versions not stated): 1000 Genomes Project 30x 0.00250; 1000 Genomes Project 0.00280; TOPMed 0.00335; ESP Exome Variant Server 0.00361; gnomAD 0.00362; ExAC 0.00400.
gnomAD v4.1: 7,403 of 1,613,898 alleles (0.46%); highest among the groups gnomAD compares: Middle Eastern, 0.71%; 23 homozygotes.

Submission:

CeGaT Center for Human Genetics Tuebingen
Classification: Likely benign. Last evaluated: 2022-12-01. Review status: criteria provided, single submitter. Criteria: CeGaT Center For Human Genetics Tuebingen Variant Classification Criteria Version 2. Collection method: clinical testing. Allele origin: germline. Affected: yes. Observed: 1 variant allele.
Comment: PCDHA12: BS2